The following is an entry in ClinVar:

NM_000051.4(ATM):c.1782del (p.Val595fs)

Gene: ATM (ATM serine/threonine kinase; plus strand). Cytogenetic location: 11q22.3.
Variant type: Deletion.
Coding change: c.1782del on transcript NM_000051.4 (MANE Select); coding-DNA position 1782, one base deleted (A; older notation c.1782delA).
Protein change: p.Val595fs; shifts the reading frame from valine 595.
Molecular consequence: frameshift variant.
Genome position (GRCh38, 1-based): chr11:108,252,011, A deleted; the last of 2 consecutive A bases (chr11:108,252,010-108,252,011); deleting either gives the same sequence. VCF-style (leftmost placement, unchanged base first): chr11-108252009-GA-G. GRCh37 (hg19) VCF-style: chr11-108122736-GA-G.
Other names: NM_000051.4:c.1782del; c.1782del, p.Val595fs (NM_001351834.2); short protein forms V595fs.
Identifiers: ClinVar variation 3572873 (VCV003572873.2).
Genomic context (GRCh38, chr11:108,252,009, plus strand): 5'-GAATCAATAATGAAATGGCTCTTATTCTATCAGTTAGAGGGTGACTTAGAAAATAGCACA[GA>G]AGTGCCTCCAATTCTTCACAGGTAATTTAAGTTCATTAGCATGCTGCTGTTTTTTTTGTT-3'

ClinVar aggregate classification (germline): Pathogenic. Review status: reviewed by expert panel (3 of 4 stars). 2 submissions from 2 submitters: Pathogenic (1). 1 of the submissions does not count toward it. Last evaluated 2024-11-26.

Conditions:
ATM-related cancer predisposition. Also called: ATM-related cancer susceptibility. Identifiers: MedGen CN377759, MONDO:0700270.
Inherited breast cancer and ovarian cancer.

Submissions (2):

ClinGen Hereditary Breast, Ovarian and Pancreatic Cancer Variant Curation Expert Panel, ClinGen
Classification: Pathogenic for ATM-related cancer predisposition. Last evaluated: 2024-11-26. Review status: reviewed by expert panel. Criteria: ClinGen HBOP ACMG Specifications ATM V1.3.0. Collection method: curation. Allele origin: germline. Inheritance: Autosomal dominant inheritance.
Comment: The c.1782del (p.Val595Cysfs*19) variant in ATM gene is a frameshift variant observed to cause a premature stop codon in biologically-relevant-exon leading to nonsense mediated decay in a gene in which loss-of-function is an established disease mechanism. This alteration results in a termination codon upstream of the most C-terminal pathogenic alteration (ATM p.Arg3047*), as classified by the HBOP VCEP, and is expected to be more deleterious. This variant has been detected in at least one individual with Ataxia-Telangiectasia (PMID: 26896183). This variant is absent from gnomAD v.2.1.1. In summary, this variant meets the criteria to be classified as pathogenic for autosomal dominant ATM-related cancer predisposition and autosomal recessive Ataxia-Telangiectasia based on the ACMG/AMP criteria applied as specified by the HBOP VCEP. (PVS1, PM5_Supporting, PM3, PM2_Supporting)

Cambridge Genomics Laboratory, East Genomic Laboratory Hub, NHS Genomic Medicine Service
Classification: Pathogenic for Inherited breast cancer and ovarian cancer. Last evaluated: 2025-09-18. Review status: criteria provided, single submitter. Criteria: ACGS Best Practice Guidelines for Variant Classification in Rare Disease 2020. Collection method: clinical testing. Allele origin: germline. Affected: yes. Not counted in ClinVar's aggregate classification.
Comment: PVS1,PM2_Supporting,PM3,PM5_Supporting